The following is an entry in ClinVar:

NM_001395002.1(MAP4K4):c.3683G>A (p.Arg1228Lys)

Gene: MAP4K4 (mitogen-activated protein kinase kinase kinase kinase 4; plus strand). Cytogenetic location: 2q11.2.
Variant type: single nucleotide variant.
Coding change: c.3683G>A on transcript NM_001395002.1 (MANE Select); coding-DNA position 3683, G replaced by A.
Protein change: p.Arg1228Lys; replaces arginine 1228 with lysine.
Molecular consequence: missense variant. On other transcripts: non-coding transcript variant (4).
Genome position (GRCh38, 1-based): chr2:101,887,149, G>A. VCF-style: chr2-101887149-G-A. GRCh37 (hg19) VCF-style: chr2-102503611-G-A.
Other names: c.3248G>A, p.Arg1083Lys (NM_001242559.2); c.3236G>A, p.Arg1079Lys (NM_001242560.2); c.3326G>A, p.Arg1109Lys (NM_001384476.1); c.3515G>A, p.Arg1172Lys (NM_001384477.1); c.3005G>A, p.Arg1002Lys (NM_001384478.1); c.3443G>A, p.Arg1148Lys (NM_001384481.1); c.2996G>A, p.Arg999Lys (NM_001384482.1); c.3278G>A, p.Arg1093Lys (NM_001384483.1); and 39 more; short protein forms R1001K, R1002K, R1021K, R1032K, R1033K, R1044K, R1047K, R1056K.
Identifiers: ClinVar variation 4854736 (VCV004854736.1).

ClinVar aggregate classification (germline): Uncertain significance (1 of 4 stars; one submission).

Conditions:
MAP4K4-related disorder.

Submission:

3billion
Classification: Uncertain significance for MAP4K4-related disorder. Last evaluated: 2025-12-04. Review status: criteria provided, single submitter. Criteria: ACMG Guidelines, 2015. Collection method: clinical testing. Allele origin: germline. Affected: yes.
Comment: The variant is not observed in the gnomAD v4.1.0 dataset. Predicted Consequence/Location: Missense variant Damaging effect on gene or gene product predicted by in silico programs is uncertain [REVEL: 0.40 (damaging >=0.6, benign <0.4), 3Cnet: 0.18 (damaging >0.75, benign <0.1)]. Therefore, this variant is classified as VUS according to the recommendation of ACMG/AMP guideline.